The following is an entry in ClinVar:

ClinVar aggregate classification (germline): Uncertain significance (1 of 4 stars; one submission).

Allele frequency attached by ClinVar (database versions not stated): TOPMed below 0.00001; ExAC 0.00001; gnomAD 0.00003; gnomAD exomes 0.00003.
gnomAD v4.1: 42 of 1,614,228 alleles (0.0026%); highest among the groups gnomAD compares: Middle Eastern, 0.033%; no homozygotes.

Submission:

Labcorp Genetics (formerly Invitae), Labcorp
Classification: Uncertain significance. Last evaluated: 2022-09-29. Review status: criteria provided, single submitter. Criteria: Invitae Variant Classification Sherloc (09022015). Collection method: clinical testing. Allele origin: germline.
Comment: In summary, the available evidence is currently insufficient to determine the role of this variant in disease. Therefore, it has been classified as a Variant of Uncertain Significance. This sequence change replaces proline, which is neutral and non-polar, with threonine, which is neutral and polar, at codon 318 of the TCF20 protein (p.Pro318Thr). This variant is present in population databases (rs766818827, gnomAD 0.006%). This variant has not been reported in the literature in individuals affected with TCF20-related conditions. Algorithms developed to predict the effect of missense changes on protein structure and function (SIFT, PolyPhen-2, Align-GVGD) all suggest that this variant is likely to be tolerated.

NM_001378418.1(TCF20):c.952C>A (p.Pro318Thr)

Gene: TCF20 (transcription factor 20; minus strand). Cytogenetic location: 22q13.2.
Variant type: single nucleotide variant.
Coding change: c.952C>A on transcript NM_001378418.1 (MANE Select); coding-DNA position 952, C replaced by A.
Protein change: p.Pro318Thr; replaces proline 318 with threonine.
Molecular consequence: missense variant.
Genome position (GRCh38, 1-based): chr22:42,214,354, G>T on the plus strand (C>A on the coding strand, the complement: TCF20 is on the minus strand). VCF-style: chr22-42214354-G-T. GRCh37 (hg19) VCF-style: chr22-42610360-G-T.
Other names: c.952C>A, p.Pro318Thr (NM_005650.4, NM_181492.3); short protein forms P318T.
Identifiers: ClinVar variation 1944506 (VCV001944506.5), dbSNP rs766818827, ClinGen allele CA10267264.